The following is an entry in ClinVar:

NM_001197104.2(KMT2A):c.8083G>A (p.Gly2695Ser)

Gene: KMT2A (lysine methyltransferase 2A; plus strand). Cytogenetic location: 11q23.3.
Variant type: single nucleotide variant.
Coding change: c.8083G>A on transcript NM_001197104.2 (MANE Select); coding-DNA position 8083, G replaced by A.
Protein change: p.Gly2695Ser; replaces glycine 2695 with serine.
Molecular consequence: missense variant.
Genome position (GRCh38, 1-based): chr11:118,503,975, G>A. VCF-style: chr11-118503975-G-A. GRCh37 (hg19) VCF-style: chr11-118374690-G-A.
Other names: c.8173G>A, p.Gly2725Ser (NM_001412597.1); c.8074G>A, p.Gly2692Ser (NM_005933.4); short protein forms G2692S, G2695S, G2725S.
Identifiers: ClinVar variation 4056554 (VCV004056554.1).

ClinVar aggregate classification (germline): Uncertain significance (1 of 4 stars; one submission).

Conditions:
Wiedemann-Steiner syndrome (WDSTS). Also called: Growth deficiency and mental retardation with facial dysmorphism. Identifiers: Orphanet 319182, MedGen C1854630, MONDO:0011518, OMIM 605130.

gnomAD v4.1: 1 of 1,614,210 alleles (0.000062%); highest among the groups gnomAD compares: Non-Finnish European, 0.000085%; no homozygotes.

Submission:

Laboratorio de Genetica e Diagnostico Molecular, Hospital Israelita Albert Einstein
Classification: Uncertain significance for Wiedemann-Steiner syndrome. Last evaluated: 2024-06-11. Review status: criteria provided, single submitter. Criteria: ACMG Guidelines, 2015. Collection method: clinical testing. Allele origin: germline. Affected: yes.
Comment: ACMG classification criteria: PM2 supporting, PP2 supporting, BP4 supporting